The following is an entry in ClinVar:

ClinVar aggregate classification (germline): Uncertain significance. Review status: criteria provided, multiple submitters, no conflicts (2 of 4 stars). 2 submissions from 2 submitters: Uncertain significance (2). Last evaluated 2025-07-13.

Allele frequency attached by ClinVar (database versions not stated): gnomAD exomes below 0.00001; gnomAD 0.00001.

Submissions (2):

Labcorp Genetics (formerly Invitae), Labcorp
Classification: Uncertain significance. Last evaluated: 2025-07-13. Review status: criteria provided, single submitter. Criteria: Invitae Variant Classification Sherloc (09022015). Collection method: clinical testing. Allele origin: germline.
Comment: This sequence change creates a premature translational stop signal (p.Ile264Serfs*59) in the RHOBTB2 gene. It is expected to result in an absent or disrupted protein product. However, the current clinical and genetic evidence is not sufficient to establish whether loss-of-function variants in RHOBTB2 cause disease. This variant is present in population databases (no rsID available, gnomAD 0.007%). This variant has not been reported in the literature in individuals affected with RHOBTB2-related conditions. ClinVar contains an entry for this variant (Variation ID: 1504847). In summary, the available evidence is currently insufficient to determine the role of this variant in disease. Therefore, it has been classified as a Variant of Uncertain Significance.

GeneDx
Classification: Uncertain significance. Last evaluated: 2024-12-23. Review status: criteria provided, single submitter. Criteria: GeneDx Variant Classification Process June 2021. Collection method: clinical testing. Allele origin: germline. Affected: yes.
Comment: Frameshift variant predicted to result in protein truncation or nonsense mediated decay in a gene or region of a gene for which loss of function is not a well-established mechanism of disease; Not observed at significant frequency in large population cohorts (gnomAD); Has not been previously published as pathogenic or benign to our knowledge

NM_015178.3(RHOBTB2):c.723del (p.Ile242fs)

Gene: RHOBTB2 (Rho related BTB domain containing 2; plus strand). Cytogenetic location: 8p21.3.
Variant type: Deletion.
Coding change: c.723del on transcript NM_015178.3 (MANE Select); coding-DNA position 723, one base deleted (G; older notation c.723delG).
Protein change: p.Ile242fs; shifts the reading frame from isoleucine 242.
Molecular consequence: frameshift variant.
Genome position (GRCh38, 1-based): chr8:23,006,968, G deleted. VCF-style (leftmost placement, unchanged base first): chr8-23006967-CG-C. GRCh37 (hg19) VCF-style: chr8-22864480-CG-C.
Other names: c.789del (NM_001160036.1); c.789del, p.Ile264fs (NM_001160036.2); c.744del, p.Ile249fs (NM_001160037.2); c.723del, p.Ile242fs (NM_001374791.1); short protein forms I249fs, I242fs, I264fs.
Identifiers: ClinVar variation 1504847 (VCV001504847.7), dbSNP rs1267743648, ClinGen allele CA580952326.